The following is an entry in ClinVar:

ClinVar aggregate classification (germline): Uncertain significance. Review status: criteria provided, multiple submitters, no conflicts (2 of 4 stars). 2 submissions from 2 submitters: Uncertain significance (2). Last evaluated 2025-08-19.

Submissions (2):

Labcorp Genetics (formerly Invitae), Labcorp
Classification: Uncertain significance. Last evaluated: 2025-08-19. Review status: criteria provided, single submitter. Criteria: Invitae Variant Classification Sherloc (09022015). Collection method: clinical testing. Allele origin: germline.
Comment: This variant, c.616_618del, results in the deletion of 1 amino acid(s) of the AFG3L2 protein (p.Pro206del), but otherwise preserves the integrity of the reading frame. This variant is present in population databases (rs781369737, gnomAD 0.003%). This variant has not been reported in the literature in individuals affected with AFG3L2-related conditions. Experimental studies and prediction algorithms are not available or were not evaluated, and the functional significance of this variant is currently unknown. In summary, the available evidence is currently insufficient to determine the role of this variant in disease. Therefore, it has been classified as a Variant of Uncertain Significance.

GeneDx
Classification: Uncertain significance. Last evaluated: 2025-02-13. Review status: criteria provided, single submitter. Criteria: GeneDx Variant Classification Process June 2021. Collection method: clinical testing. Allele origin: germline. Affected: yes.
Comment: Has not been previously published as pathogenic or benign to our knowledge; Not observed at significant frequency in large population cohorts (gnomAD); In-frame deletion of 1 amino acid(s) in a non-repeat region; In silico analysis supports a deleterious effect on protein structure/function

NM_006796.3(AFG3L2):c.616_618del (p.Pro206del)

Gene: AFG3L2 (AFG3 like matrix AAA peptidase subunit 2; minus strand). Cytogenetic location: 18p11.21.
Variant type: Deletion.
Coding change: c.616_618del on transcript NM_006796.3 (MANE Select); coding-DNA positions 616 to 618, 3 bases deleted (CCT; older notation c.616_618delCCT).
Protein change: p.Pro206del; deletes proline 206.
Molecular consequence: inframe deletion. On other transcripts: inframe indel (1).
Genome position (GRCh38, 1-based): chr18:12,363,791-12,363,793, AGG deleted on the plus strand (CCT on the coding strand, the reverse complement: AFG3L2 is on the minus strand); deleting any 3 consecutive bases within chr18:12,363,791-12,363,795 gives the same sequence; the c. name uses the placement nearest the transcript's 3' end. VCF-style (leftmost placement, unchanged base first): chr18-12363790-CAGG-C. GRCh37 (hg19) VCF-style: chr18-12363789-CAGG-C.
Other names: c.614_616delCTC, p.Pro206del (NM_006796.2); short protein forms P206del.
Identifiers: ClinVar variation 4075497 (VCV004075497.2).